The following is an entry in ClinVar:

NM_001184880.2(PCDH19):c.1355A>G (p.His452Arg)

Gene: PCDH19 (protocadherin 19; minus strand). Cytogenetic location: Xq22.1.
Variant type: single nucleotide variant.
Coding change: c.1355A>G on transcript NM_001184880.2 (MANE Select); coding-DNA position 1355, A replaced by G.
Protein change: p.His452Arg; replaces histidine 452 with arginine.
Molecular consequence: missense variant.
Genome position (GRCh38, 1-based): chrX:100,407,243, T>C on the plus strand (A>G on the coding strand, the complement: PCDH19 is on the minus strand). VCF-style: chrX-100407243-T-C. GRCh37 (hg19) VCF-style: chrX-99662241-T-C.
Other names: c.1355A>G, p.His452Arg (NM_001105243.2, NM_020766.3); short protein forms H452R.
Identifiers: ClinVar variation 568499 (VCV000568499.11), dbSNP rs777851773, ClinGen allele CA10468894.

ClinVar aggregate classification (germline): Uncertain significance (1 of 4 stars; one submission).

Conditions:
Developmental and epileptic encephalopathy, 9 (DEE9). Also called: EPILEPSY, FEMALE-RESTRICTED, WITH MENTAL RETARDATION; Early infantile epileptic encephalopathy 9; JUBERG-HELLMAN SYNDROME; PCDH19-Related X-Linked Female-Limited Epilepsy with Mental Retardation. Identifiers: Orphanet 101039, Orphanet 2076, MedGen C1848137, MONDO:0010246, OMIM 300088. Disease mechanism: loss of function.

Allele frequency attached by ClinVar (database versions not stated): ExAC 0.00001; TOPMed 0.00001; gnomAD exomes 0.00002.
gnomAD v4.1: 18 of 1,211,467 alleles (0.0015%); highest among the groups gnomAD compares: Admixed American, 0.0065%; no homozygotes.

Submission:

Labcorp Genetics (formerly Invitae), Labcorp
Classification: Uncertain significance for Developmental and epileptic encephalopathy, 9. Last evaluated: 2025-10-15. Review status: criteria provided, single submitter. Criteria: Invitae Variant Classification Sherloc (09022015). Collection method: clinical testing. Allele origin: germline.
Comment: This sequence change replaces histidine, which is basic and polar, with arginine, which is basic and polar, at codon 452 of the PCDH19 protein (p.His452Arg). This variant is present in population databases (rs777851773, gnomAD 0.01%). This variant has not been reported in the literature in individuals affected with PCDH19-related conditions. ClinVar contains an entry for this variant (Variation ID: 568499). Invitae Evidence Modeling of protein sequence and biophysical properties (such as structural, functional, and spatial information, amino acid conservation, physicochemical variation, residue mobility, and thermodynamic stability) indicates that this missense variant is not expected to disrupt PCDH19 protein function with a negative predictive value of 95%. In summary, the available evidence is currently insufficient to determine the role of this variant in disease. Therefore, it has been classified as a Variant of Uncertain Significance.